The following is an entry in ClinVar:

ClinVar aggregate classification (germline): Likely benign. Review status: reviewed by expert panel (3 of 4 stars). 6 submissions from 6 submitters: Likely benign (1). 5 of the submissions do not count toward it. Last evaluated 2017-06-29.

Conditions:
Hereditary cancer-predisposing syndrome. Also called: Neoplastic Syndromes, Hereditary; Hereditary neoplastic syndrome; Tumor predisposition; Hereditary Cancer Syndrome. Identifiers: Orphanet 140162, MedGen C0027672, MeSH D009386, MONDO:0015356.
Hereditary breast ovarian cancer syndrome. Also called: Hereditary breast and ovarian cancer syndrome (HBOC); BRCA1- and BRCA2-Associated Hereditary Breast and Ovarian Cancer; Hereditary breast and/or ovarian cancer syndrome; Hereditary breast and ovarian cancer syndrome; Hereditary breast and ovarian cancer; Breast and ovarian cancer. Identifiers: Orphanet 145, MedGen C0677776, MeSH D061325, MONDO:0003582. Disease mechanism: loss of function.
BRCA1-related cancer predisposition. Identifiers: MedGen CN377757, MONDO:0700268.
Breast-ovarian cancer, familial, susceptibility to, 1 (BROVCA1). Also called: BRCA1 Hereditary Breast and Ovarian Cancer; OVARIAN CANCER, SUSCEPTIBILITY TO. Identifiers: Orphanet 145, MedGen C2676676, MONDO:0011450, OMIM 604370. Disease mechanism: loss of function.

Allele frequency attached by ClinVar (database versions not stated): gnomAD below 0.00001 and 0.00001; gnomAD exomes below 0.00001 and 0.00001; ExAC 0.00002; 1000 Genomes Project 30x 0.00016; 1000 Genomes Project 0.00020.
gnomAD v4.1: 7 of 1,614,216 alleles (0.00043%); highest among the groups gnomAD compares: South Asian, 0.0077%; no homozygotes.

Submissions (7):

Evidence-based Network for the Interpretation of Germline Mutant Alleles (ENIGMA)
Classification: Likely benign for Breast-ovarian cancer, familial, susceptibility to, 1. Last evaluated: 2017-06-29. Review status: reviewed by expert panel. Criteria: ENIGMA BRCA1/2 Classification Criteria (2017-06-29). Collection method: curation. Allele origin: germline.
Comment: Synonymous substitution variant, with low bioinformatic likelihood to result in a splicing aberration (Splicing prior probability 0.02).

Labcorp Genetics (formerly Invitae), Labcorp
Classification: Likely benign for Hereditary breast ovarian cancer syndrome. Last evaluated: 2025-02-05. Review status: criteria provided, single submitter. Criteria: Invitae Variant Classification Sherloc (09022015). Collection method: clinical testing. Allele origin: germline. Not counted in ClinVar's aggregate classification.

All of Us Research Program, National Institutes of Health
Classification: Likely benign for BRCA1-related cancer predisposition. Last evaluated: 2024-07-29. Review status: criteria provided, single submitter. Criteria: ACMG Guidelines, 2015. Collection method: clinical testing. Allele origin: germline. Inheritance: Autosomal dominant inheritance. Observed: 1 variant allele, 1 heterozygote. Not counted in ClinVar's aggregate classification.
Comment: This study involves interpretation of variants in research participants for the purpose of population health screening. Participant phenotype was not available at the time of variant classification. Additional details can be found in publication PMID: 35346344, PMCID: PMC8962531

Ambry Genetics
Classification: Likely benign for Hereditary cancer-predisposing syndrome. Last evaluated: 2020-09-16. Review status: criteria provided, single submitter. Criteria: Ambry Variant Classification Scheme 2023. Collection method: clinical testing. Allele origin: germline. Not counted in ClinVar's aggregate classification.

Genetic Services Laboratory, University of Chicago
Classification: Likely benign. Last evaluated: 2020-08-26. Review status: criteria provided, single submitter. Criteria: ACMG Guidelines, 2015. Collection method: clinical testing. Allele origin: germline. Affected: no. Not counted in ClinVar's aggregate classification.

Color Diagnostics, LLC DBA Color Health
Classification: Likely benign for Hereditary cancer-predisposing syndrome. Last evaluated: 2018-09-27. Review status: criteria provided, single submitter. Criteria: ACMG Guidelines, 2015. Collection method: clinical testing. Allele origin: germline. Not counted in ClinVar's aggregate classification.

Brotman Baty Institute, University of Washington
No classification provided (evidence only). Condition: Breast-ovarian cancer, familial 1. Review status: no classification provided. Collection method: in vitro. Allele origin: not applicable. Functional consequence: functionally_normal. Not counted in ClinVar's aggregate classification.
ClinVar note: "not provided" was previously submitted as the classification for the variant. However, the classification appeared to be based only on an observation of functional data so it was converted to no classification on 2025-07-30.

NM_007294.4(BRCA1):c.4962G>A (p.Val1654=)

Gene: BRCA1 (BRCA1 DNA repair associated; minus strand). Cytogenetic location: 17q21.31.
Variant type: single nucleotide variant.
Coding change: c.4962G>A on transcript NM_007294.4 (MANE Select); coding-DNA position 4962, G replaced by A.
Protein change: p.Val1654=; no amino-acid change (valine 1654 retained).
Molecular consequence: synonymous variant. On other transcripts: intron variant (1).
Genome position (GRCh38, 1-based): chr17:43,070,952, C>T on the plus strand (G>A on the coding strand, the complement: BRCA1 is on the minus strand). VCF-style: chr17-43070952-C-T. GRCh37 (hg19) VCF-style: chr17-41222969-C-T.
Other names: c.1530G>A, p.Val510= (NM_001408430.1, NM_001408431.1, NM_001408425.1 and 4 more transcripts); c.1527G>A, p.Val509= (NM_001408432.1, NM_001408433.1, NM_001408434.1 and 10 more transcripts); c.1524G>A, p.Val508= (NM_001408445.1, NM_001408446.1, NM_001408447.1 and 2 more transcripts); c.1518G>A, p.Val506= (NM_001408451.1); c.1512G>A, p.Val504= (NM_001408452.1, NM_001408453.1, NM_001408454.1 and 3 more transcripts); c.1509G>A, p.Val503= (NM_001408458.1, NM_001408459.1, NM_001408460.1 and 7 more transcripts); c.1506G>A, p.Val502= (NM_001408468.1, NM_001408469.1, NM_001408470.1); c.1650G>A, p.Val550= (NM_001408472.1, NM_007298.4, NM_007299.4 and 13 more transcripts); and 71 more.
Identifiers: ClinVar variation 427359 (VCV000427359.23), dbSNP rs549640262, ClinGen allele CA053497.
Genomic context (GRCh38, chr17:43,070,952, plus strand): 5'-CTTAGTCATTAGGGAGATACATATGGATACACTCACAAATTCTTCTGGGGTCAGGCCAGA[C>T]ACCACCATGGACATTCTTTTGTTGACCCTTTCTGTTGAAGCTGTCAATTCTGGCTTCTCC-3'
Protein context (NP_009225.1, residues 1644-1664): ERVNKRMSMV[Val1654=]SGLTPEEFML